The following is an entry in ClinVar:

NM_003738.5(PTCH2):c.3071C>T (p.Ala1024Val)

Gene: PTCH2 (patched 2; minus strand). Cytogenetic location: 1p34.1.
Variant type: single nucleotide variant.
Coding change: c.3071C>T on transcript NM_003738.5 (MANE Select); coding-DNA position 3071, C replaced by T.
Protein change: p.Ala1024Val; replaces alanine 1024 with valine.
Molecular consequence: missense variant.
Genome position (GRCh38, 1-based): chr1:44,826,293, G>A on the plus strand (C>T on the coding strand, the complement: PTCH2 is on the minus strand). VCF-style: chr1-44826293-G-A. GRCh37 (hg19) VCF-style: chr1-45291965-G-A.
Other names: c.3071C>T, p.Ala1024Val (NM_001166292.2); short protein forms A1024V.
Identifiers: ClinVar variation 239559 (VCV000239559.12), dbSNP rs147567317, ClinGen allele CA822815.
Genomic context (GRCh38, chr1:44,826,293, plus strand): 5'-GGGGTGCCCGTGCTCACCAGAGCCACGTGGACTGTGAACTCAACGCCAATGCCTACAGAG[G>A]CCACAAGGATCACCACGGGGATGGCACTCAGCTTGATGCCCAGGAAACCCATGATACCAA-3'
Protein context (NP_003729.3, residues 1014-1034): LSAIPVVILV[Ala1024Val]SVGIGVEFTV

ClinVar aggregate classification (germline): Conflicting classifications of pathogenicity. Review status: criteria provided, conflicting classifications (1 of 4 stars). 3 submissions from 3 submitters: Uncertain significance (2); Likely benign (1). Last evaluated 2025-11-02.

Conditions:
Gorlin syndrome. Also called: Basal cell nevus syndrome; Nevoid Basal Cell Carcinoma Syndrome. Identifiers: Orphanet 377, MedGen C0004779, MONDO:0007187.

Allele frequency attached by ClinVar (database versions not stated): gnomAD exomes 0.00006 and 0.00014; ESP Exome Variant Server 0.00008; gnomAD 0.00010 and 0.00011; ExAC 0.00012; TOPMed 0.00013.
gnomAD v4.1: 115 of 1,614,006 alleles (0.0071%); highest among the groups gnomAD compares: Non-Finnish European, 0.0013%; 1 homozygote.

Submissions (3):

Labcorp Genetics (formerly Invitae), Labcorp
Classification: Likely benign for Gorlin syndrome. Last evaluated: 2025-11-02. Review status: criteria provided, single submitter. Criteria: Invitae Variant Classification Sherloc (09022015). Collection method: clinical testing. Allele origin: germline.

Ambry Genetics
Classification: Uncertain significance. Last evaluated: 2023-11-07. Review status: criteria provided, single submitter. Criteria: Ambry Variant Classification Scheme 2023. Collection method: clinical testing. Allele origin: germline.

St. Jude Molecular Pathology, St. Jude Children's Research Hospital
Classification: Uncertain significance for Basal cell nevus syndrome 1. Last evaluated: 2022-01-03. Review status: criteria provided, single submitter. Criteria: St. Jude Assertion Criteria 2020. Collection method: clinical testing. Allele origin: germline.
Comment: The PTCH2 c.3071C>T (p.Ala1024Val) missense change has a maximum subpopulation frequency of 0.29% in gnomAD v2.1.1, where it is primarily found in the Ashkenazi Jewish population. The in silico tool REVEL is inconclusive about a pathogenic or benign effect of this variant on protein function, and to our knowledge functional studies have not been performed. To our knowledge, this variant has not been reported in individuals with nevoid basal cell carcinoma syndrome.  In summary, the evidence currently available is insufficient to determine the clinical significance of this variant. It has therefore been classified as of uncertain significance.